The following is an entry in ClinVar:

ClinVar aggregate classification (germline): Uncertain significance (1 of 4 stars; one submission).

Allele frequency attached by ClinVar (database versions not stated): gnomAD exomes 0.00001.

Submission:

Labcorp Genetics (formerly Invitae), Labcorp
Classification: Uncertain significance. Last evaluated: 2025-11-11. Review status: criteria provided, single submitter. Criteria: Invitae Variant Classification Sherloc (09022015). Collection method: clinical testing. Allele origin: germline.
Comment: This sequence change replaces methionine, which is neutral and non-polar, with valine, which is neutral and non-polar, at codon 1111 of the CACNA1D protein (p.Met1111Val). This variant is present in population databases (no rsID available, gnomAD 0.006%). This variant has not been reported in the literature in individuals affected with CACNA1D-related conditions. ClinVar contains an entry for this variant (Variation ID: 1473176). Invitae Evidence Modeling of protein sequence and biophysical properties (such as structural, functional, and spatial information, amino acid conservation, physicochemical variation, residue mobility, and thermodynamic stability) indicates that this missense variant is expected to disrupt CACNA1D protein function with a positive predictive value of 80%. In summary, the available evidence is currently insufficient to determine the role of this variant in disease. Therefore, it has been classified as a Variant of Uncertain Significance.

NM_001128840.3(CACNA1D):c.3271A>G (p.Met1091Val)

Gene: CACNA1D (calcium voltage-gated channel subunit alpha1 D; plus strand). Cytogenetic location: 3p21.1.
Variant type: single nucleotide variant.
Coding change: c.3271A>G on transcript NM_001128840.3 (MANE Select); coding-DNA position 3271, A replaced by G.
Protein change: p.Met1091Val; replaces methionine 1091 with valine.
Molecular consequence: missense variant.
Genome position (GRCh38, 1-based): chr3:53,747,405, A>G. VCF-style: chr3-53747405-A-G. GRCh37 (hg19) VCF-style: chr3-53781432-A-G.
Other names: c.3331A>G, p.Met1111Val (NM_000720.4); c.3271A>G, p.Met1091Val (NM_001128839.3); short protein forms M1111V, M1091V.
Identifiers: ClinVar variation 1473176 (VCV001473176.6), dbSNP rs1370453608, ClinGen allele CA353247736.